The following is an entry in ClinVar:

NM_138927.4(SON):c.2145A>G (p.Ile715Met)

Gene: SON (SON DNA and RNA binding protein; plus strand). Cytogenetic location: 21q22.11.
Variant type: single nucleotide variant.
Coding change: c.2145A>G on transcript NM_138927.4 (MANE Select); coding-DNA position 2145, A replaced by G.
Protein change: p.Ile715Met; replaces isoleucine 715 with methionine.
Molecular consequence: missense variant. On other transcripts: non-coding transcript variant (1), intron variant (1).
Genome position (GRCh38, 1-based): chr21:33,551,376, A>G. VCF-style: chr21-33551376-A-G. GRCh37 (hg19) VCF-style: chr21-34923682-A-G.
Other names: c.2145A>G, p.Ile715Met (NM_001291411.2, NM_001412133.1, NM_032195.3 and 2 more transcripts); c.244+4997A>G (NM_001291412.3); short protein forms I715M.
Identifiers: ClinVar variation 2189263 (VCV002189263.4), dbSNP rs759250241, ClinGen allele CA10009036.

ClinVar aggregate classification (germline): Uncertain significance (1 of 4 stars; one submission).

Allele frequency attached by ClinVar (database versions not stated): gnomAD exomes below 0.00001; TOPMed below 0.00001; ExAC 0.00001; gnomAD 0.00001.
gnomAD v4.1: 7 of 1,613,996 alleles (0.00043%); highest among the groups gnomAD compares: Admixed American, 0.0083%; no homozygotes.

Submission:

Labcorp Genetics (formerly Invitae), Labcorp
Classification: Uncertain significance. Last evaluated: 2025-03-17. Review status: criteria provided, single submitter. Criteria: Invitae Variant Classification Sherloc (09022015). Collection method: clinical testing. Allele origin: germline.
Comment: This sequence change replaces isoleucine, which is neutral and non-polar, with methionine, which is neutral and non-polar, at codon 715 of the SON protein (p.Ile715Met). This variant is present in population databases (rs759250241, gnomAD 0.01%). This variant has not been reported in the literature in individuals affected with SON-related conditions. ClinVar contains an entry for this variant (Variation ID: 2189263). An algorithm developed to predict the effect of missense changes on protein structure and function outputs the following: PolyPhen-2: "Benign". The methionine amino acid residue is found in multiple mammalian species, which suggests that this missense change does not adversely affect protein function. In summary, the available evidence is currently insufficient to determine the role of this variant in disease. Therefore, it has been classified as a Variant of Uncertain Significance.